The following is an entry in ClinVar:

ClinVar aggregate classification (germline): Uncertain significance (1 of 4 stars; one submission).

Submission:

Greenwood Genetic Center Diagnostic Laboratories, Greenwood Genetic Center
Classification: Uncertain significance. Last evaluated: 2022-12-21. Review status: criteria provided, single submitter. Criteria: ACMG Guidelines, 2015. Collection method: clinical testing. Allele origin: germline. Affected: yes.
Comment: Gene of Uncertain Significance

NM_178527.4(SLC9C2):c.1666A>G (p.Ile556Val)

Gene: SLC9C2 (solute carrier family 9 member C2 (putative); minus strand). Cytogenetic location: 1q25.1.
Variant type: single nucleotide variant.
Coding change: c.1666A>G on transcript NM_178527.4 (MANE Select); coding-DNA position 1666, A replaced by G.
Protein change: p.Ile556Val; replaces isoleucine 556 with valine.
Molecular consequence: missense variant.
Genome position (GRCh38, 1-based): chr1:173,535,939, T>C on the plus strand (A>G on the coding strand, the complement: SLC9C2 is on the minus strand). VCF-style: chr1-173535939-T-C. GRCh37 (hg19) VCF-style: chr1-173505078-T-C.
Other names: short protein forms I556V.
Identifiers: ClinVar variation 2429047 (VCV002429047.3), dbSNP rs2527000596, ClinGen allele CA343759438.